The following is an entry in ClinVar:

ClinVar aggregate classification (germline): Uncertain significance (1 of 4 stars; one submission).

Conditions:
Hereditary cancer-predisposing syndrome. Also called: Neoplastic Syndromes, Hereditary; Tumor predisposition; Hereditary neoplastic syndrome; Hereditary Cancer Syndrome. Identifiers: Orphanet 140162, MedGen C0027672, MeSH D009386, MONDO:0015356.

gnomAD v4.1: 2 of 1,612,900 alleles (0.00012%); highest among the groups gnomAD compares: Non-Finnish European, 0.00017%; no homozygotes.

Submission:

Ambry Genetics
Classification: Uncertain significance for Hereditary cancer-predisposing syndrome. Last evaluated: 2026-09-05. Review status: criteria provided, single submitter. Criteria: Ambry Variant Classification Scheme 2023. Collection method: clinical testing. Allele origin: germline.
Comment: The p.P121T variant (also known as c.361C>A), located in coding exon 4 of the MRE11A gene, results from a C to A substitution at nucleotide position 361. The proline at codon 121 is replaced by threonine, an amino acid with highly similar properties. This amino acid position is conserved. In addition, this alteration is predicted to be deleterious by in silico analysis. Based on the available evidence, the clinical significance of this variant remains unclear.

NM_005591.4(MRE11):c.361C>A (p.Pro121Thr)

Gene: MRE11 (MRE11 double strand break repair nuclease; minus strand). Cytogenetic location: 11q21.
Variant type: single nucleotide variant.
Coding change: c.361C>A on transcript NM_005591.4 (MANE Select); coding-DNA position 361, C replaced by A.
Protein change: p.Pro121Thr; replaces proline 121 with threonine.
Molecular consequence: missense variant. On other transcripts: 5 prime UTR variant (3), intron variant (3).
Genome position (GRCh38, 1-based): chr11:94,479,715, G>T on the plus strand (C>A on the coding strand, the complement: MRE11 is on the minus strand). VCF-style: chr11-94479715-G-T. GRCh37 (hg19) VCF-style: chr11-94212881-G-T.
Other names: c.286C>A, p.Pro96Thr (NM_001440479.1, NM_001440471.1, NM_001440472.1); c.361C>A, p.Pro121Thr (NM_001440480.1, NM_001440481.1, NM_005590.4 and 18 more transcripts); c.-108C>A (NM_001440485.1, NM_001440486.1, NM_001440487.1); c.314+6209C>A (NM_001440483.1, NM_001440484.1, NM_001440482.1); short protein forms P121T, P96T.
Identifiers: ClinVar variation 5024697 (VCV005024697.1).
Genomic context (GRCh38, chr11:94,479,715, plus strand): 5'-CTAAGAAAACAATAATTACCCCTGTGGGATCGTCATGATTGCCATGAATACTAAACACTG[G>T]AATTGAAATGTTGAGGTTGCCATCTTGATAGTTCACCCATGGAAACCTTAAAAAAAAAAA-3'
Protein context (NP_005582.1, residues 111-131): YQDGNLNISI[Pro121Thr]VFSIHGNHDD